The following is an entry in ClinVar:

ClinVar aggregate classification (germline): Conflicting classifications of pathogenicity. Review status: criteria provided, conflicting classifications (1 of 4 stars). 3 submissions from 3 submitters: Uncertain significance (1); Likely benign (1). 1 of the submissions does not count toward it. Last evaluated 2025-10-01.

Conditions:
ARID1B-Related Disorder. Identifiers: MedGen CN381337.

gnomAD v4.1: 1 of 1,541,842 alleles (0.000065%); no homozygotes.

Submissions (3):

Women's Health and Genetics/Laboratory Corporation of America, LabCorp
Classification: Uncertain significance. Last evaluated: 2025-10-01. Review status: criteria provided, single submitter. Criteria: LabCorp Variant Classification Summary - May 2015. Collection method: clinical testing. Allele origin: germline.
Comment: Variant summary: ARID1B c.655A>G (p.Asn219Asp) results in a conservative amino acid change in the encoded protein sequence. Algorithms developed to predict the effect of missense changes on protein structure and function all suggest that this variant is likely to be tolerated. The frequency data for this variant in gnomAD is considered unreliable, as metrics indicate poor data quality at this position. To our knowledge, no occurrence of c.655A>G in individuals affected with ARID1B-related conditions and no experimental evidence demonstrating its impact on protein function have been reported. ClinVar contains an entry for this variant (Variation ID: 3046610). Based on the evidence outlined above, the variant was classified as uncertain significance.

Blueprint Genetics
Classification: Likely benign. Last evaluated: 2024-03-19. Review status: criteria provided, single submitter. Criteria: ACMG Guidelines, 2015. Collection method: clinical testing. Allele origin: germline.

PreventionGenetics, part of Exact Sciences
Classification: Uncertain significance for ARID1B-related condition. Last evaluated: 2024-02-20. Review status: no assertion criteria provided. Collection method: clinical testing. Allele origin: germline. Not counted in ClinVar's aggregate classification.
Comment: The ARID1B c.406A>G variant is predicted to result in the amino acid substitution p.Asn136Asp. To our knowledge, this variant has not been reported in the literature or in a large population database, indicating this variant is rare. At this time, the clinical significance of this variant is uncertain due to the absence of conclusive functional and genetic evidence.

NM_001374828.1(ARID1B):c.655A>G (p.Asn219Asp)

Genes: ARID1B (AT-rich interaction domain 1B; plus strand), LOC115308161 (uncharacterized LOC115308161; minus strand). Cytogenetic location: 6q25.3.
Variant type: single nucleotide variant.
Coding change: c.655A>G on transcript NM_001374828.1 (MANE Select); coding-DNA position 655, A replaced by G.
Protein change: p.Asn219Asp; replaces asparagine 219 with aspartic acid.
Molecular consequence: missense variant. On other transcripts: non-coding transcript variant (1).
Genome position (GRCh38, 1-based): chr6:156,778,335, A>G. VCF-style: chr6-156778335-A-G. GRCh37 (hg19) VCF-style: chr6-157099469-A-G.
Other names: c.406A>G, p.Asn136Asp (NM_001346813.1, NM_020732.3); c.655A>G, p.Asn219Asp (NM_001371656.1, NM_001374820.1, NM_017519.3); c.232A>G, p.Asn78Asp (NM_175863.2); short protein forms N136D, N219D, N78D.
Identifiers: ClinVar variation 3046610 (VCV003046610.5), dbSNP rs1451768952, ClinGen allele CA366381822.